The following is an entry in ClinVar:

ClinVar aggregate classification (germline): Pathogenic. Review status: criteria provided, multiple submitters, no conflicts (2 of 4 stars). 3 submissions from 3 submitters: Pathogenic (3). Last evaluated 2022-09-12.

Conditions:
Bethlem myopathy 1A. Also called: MYOPATHY, BENIGN CONGENITAL, WITH CONTRACTURES; Bethlem Muscular Dystrophy; Bethlem myopathy 1. Identifiers: Orphanet 610, MedGen CN029274, MONDO:0024530, OMIM 158810.

Submissions (3):

Labcorp Genetics (formerly Invitae), Labcorp
Classification: Pathogenic for Bethlem myopathy 1A. Last evaluated: 2022-09-12. Review status: criteria provided, single submitter. Criteria: Invitae Variant Classification Sherloc (09022015). Collection method: clinical testing. Allele origin: germline.
Comment: This variant is not present in population databases (gnomAD no frequency). For these reasons, this variant has been classified as Pathogenic. Algorithms developed to predict the effect of sequence changes on RNA splicing suggest that this variant may disrupt the consensus splice site. ClinVar contains an entry for this variant (Variation ID: 488799). Disruption of this splice site has been observed in individuals with autosomal dominant COL6A3-related conditions (PMID: 15689448, 27708273; Invitae). This sequence change affects a donor splice site in intron 15 of the COL6A3 gene. It is expected to disrupt RNA splicing. Variants that disrupt the donor or acceptor splice site typically lead to a loss of protein function (PMID: 16199547), and loss-of-function variants in COL6A3 are known to be disease-causing for autosomal recessive COL6A3 conditions (PMID: 21280092, 20976770). However, certain variants affecting donor or acceptor splice sites in the triple helical domain of COL6A3 are expected to result in in-frame exon skipping and have been reported to cause autosomal dominant COL6A3-related conditions (PMID: 18366090).

GeneDx
Classification: Pathogenic. Last evaluated: 2018-11-13. Review status: criteria provided, single submitter. Criteria: GeneDx Variant Classification (06012015). Collection method: clinical testing. Allele origin: germline. Affected: yes.
Comment: The c.6156+1 G>A pathogenic splice variant in the COL6A3 gene was initially reported as a heterozygous variant in an individual with Bethlem myopathy (Lampe et al., 2005). Subsequently, this variant was identified through exome sequencing as a de novo variant in an individual with muscle weakness, elevated CK levels, and dystrophic muscle histology (Reddy et al., 2017). The c.6156+1 G>A variant destroys the canonical splice donor site in intron 15. It is predicted to cause abnormal gene splicing, either leading to an abnormal message that is subject to nonsense-mediated mRNA decay, or to an abnormal protein product if the message is used for protein translation. This variant is not observed in large population cohorts (Lek et al., 2016). Additionally, a different variant at the same splice junction (c.6156+2 T>C) has been reported as pathogenic in a well-curated database.

CeGaT Center for Human Genetics Tuebingen
Classification: Pathogenic. Last evaluated: 2017-10-01. Review status: criteria provided, single submitter. Criteria: CeGaT Center For Human Genetics Tuebingen Variant Classification Criteria Version 2. Collection method: clinical testing. Allele origin: germline. Affected: yes. Observed: 1 variant allele.

Literature cited by the submitters: PubMed 15689448 (cited by Labcorp Genetics (formerly Invitae), Labcorp); PubMed 27708273 (cited by Labcorp Genetics (formerly Invitae), Labcorp); PubMed 16199547 (cited by Labcorp Genetics (formerly Invitae), Labcorp); PubMed 21280092 (cited by Labcorp Genetics (formerly Invitae), Labcorp); PubMed 20976770 (cited by Labcorp Genetics (formerly Invitae), Labcorp); PubMed 18366090 (cited by Labcorp Genetics (formerly Invitae), Labcorp).

NM_004369.4(COL6A3):c.6156+1G>A

Gene: COL6A3 (collagen type VI alpha 3 chain; minus strand). Cytogenetic location: 2q37.3.
Variant type: single nucleotide variant.
Coding change: c.6156+1G>A on transcript NM_004369.4 (MANE Select); the canonical splice donor site of the intron after coding-DNA position 6156, G replaced by A.
Molecular consequence: splice donor variant.
Genome position (GRCh38, 1-based): chr2:237,361,738, C>T on the plus strand (G>A on the coding strand, the complement: COL6A3 is on the minus strand). VCF-style: chr2-237361738-C-T. GRCh37 (hg19) VCF-style: chr2-238270381-C-T.
Other names: c.4335+1G>A (NM_057166.5); c.5538+1G>A (NM_057167.4).
Identifiers: ClinVar variation 488799 (VCV000488799.47), dbSNP rs1553554298, ClinGen allele CA351217634.